The following is an entry in ClinVar:

ClinVar aggregate classification (germline): Uncertain significance (1 of 4 stars; one submission).

Submission:

Labcorp Genetics (formerly Invitae), Labcorp
Classification: Uncertain significance. Last evaluated: 2022-02-03. Review status: criteria provided, single submitter. Criteria: Invitae Variant Classification Sherloc (09022015). Collection method: clinical testing. Allele origin: germline.
Comment: In summary, the available evidence is currently insufficient to determine the role of this variant in disease. Therefore, it has been classified as a Variant of Uncertain Significance. Algorithms developed to predict the effect of missense changes on protein structure and function (SIFT, PolyPhen-2, Align-GVGD) all suggest that this variant is likely to be tolerated. This variant has not been reported in the literature in individuals affected with NEDD4L-related conditions. This variant is not present in population databases (gnomAD no frequency). This sequence change replaces glutamine, which is neutral and polar, with proline, which is neutral and non-polar, at codon 325 of the NEDD4L protein (p.Gln325Pro).

NM_001144967.3(NEDD4L):c.974A>C (p.Gln325Pro)

Gene: NEDD4L (NEDD4 like E3 ubiquitin protein ligase; plus strand). Cytogenetic location: 18q21.31.
Variant type: single nucleotide variant.
Coding change: c.974A>C on transcript NM_001144967.3 (MANE Select); coding-DNA position 974, A replaced by C.
Protein change: p.Gln325Pro; replaces glutamine 325 with proline.
Molecular consequence: missense variant.
Genome position (GRCh38, 1-based): chr18:58,330,898, A>C. VCF-style: chr18-58330898-A-C. GRCh37 (hg19) VCF-style: chr18-55998130-A-C.
Other names: c.611A>C, p.Gln204Pro (NM_001144964.1, NM_001144965.2, NM_001144966.3 and 2 more transcripts); c.950A>C, p.Gln317Pro (NM_001144968.2, NM_001144969.2); c.974A>C, p.Gln325Pro (NM_001243960.2, NM_015277.6); short protein forms Q325P, Q317P, Q204P.
Identifiers: ClinVar variation 1494503 (VCV001494503.8), dbSNP rs2144703708, ClinGen allele CA402555966.